The following is an entry in ClinVar:

NM_000051.4(ATM):c.7929delA (p.Gly2644fs)

Genes: ATM (ATM serine/threonine kinase; plus strand), C11orf65 (chromosome 11 open reading frame 65; minus strand). Cytogenetic location: 11q22.3.
Variant type: Deletion.
Coding change: c.7929delA on transcript NM_000051.4 (MANE Select); coding-DNA position 7929, one base deleted (A).
Protein change: p.Gly2644fs; shifts the reading frame from glycine 2644.
Molecular consequence: frameshift variant. On other transcripts: intron variant (2).
Genome position (GRCh38, 1-based): chr11:108,333,887, A deleted; the last of 2 consecutive A bases (chr11:108,333,886-108,333,887); deleting either gives the same sequence. VCF-style (leftmost placement, unchanged base first): chr11-108333885-GA-G. GRCh37 (hg19) VCF-style: chr11-108204612-GA-G.
Other names: c.7929delA, p.Gly2644Alafs (NM_000051.3); c.7929delA, p.Gly2644fs (NM_001351834.2); c.641-24815del (NM_001330368.2); c.*38+1334del (NM_001351110.2); short protein forms G2644fs.
Identifiers: ClinVar variation 422091 (VCV000422091.15), dbSNP rs1064795550, ClinGen allele CA16619242.
Genomic context (GRCh38, chr11:108,333,885, plus strand): 5'-TGCTTGACCTTCAATGCTGTTCCTCAGTTTGTCACTAAAATCTCTTCATTTTTAAATACA[GA>G]AGGCATAAATATTCCAGCAGACCAGCCAATTACTAAACTTAAGAATTTAGAAGATGTTGT-3'

ClinVar aggregate classification (germline): Pathogenic/Likely pathogenic. Review status: criteria provided, multiple submitters, no conflicts (2 of 4 stars). 6 submissions from 6 submitters: Pathogenic (5); Likely pathogenic (1). Last evaluated 2025-09-19.

Conditions:
Hereditary cancer-predisposing syndrome. Also called: Neoplastic Syndromes, Hereditary; Hereditary Cancer Syndrome; Tumor predisposition; Hereditary neoplastic syndrome. Identifiers: Orphanet 140162, MedGen C0027672, MeSH D009386, MONDO:0015356.
Familial cancer of breast. Also called: Hereditary breast cancer; BREAST CANCER, FAMILIAL; hereditary breast carcinoma. Identifiers: Orphanet 227535, MedGen C0346153, MONDO:0016419, OMIM 114480. Disease mechanism: loss of function.
Ataxia-telangiectasia syndrome (AT). Also called: LOUIS-BAR SYNDROME; Cerebello-oculocutaneous telangiectasia; Immunodeficiency with ataxia telangiectasia; Ataxia-telangiectasia, complementation group D; AT, COMPLEMENTATION GROUP C; Ataxia-telangiectasia, complementation group E. Identifiers: Orphanet 100, MedGen C0004135, MONDO:0008840, OMIM 208900.

Submissions (6):

Women's Health and Genetics/Laboratory Corporation of America, LabCorp
Classification: Pathogenic for Ataxia-telangiectasia syndrome. Last evaluated: 2025-09-19. Review status: criteria provided, single submitter. Criteria: LabCorp Variant Classification Summary - May 2015. Collection method: clinical testing. Allele origin: germline.
Comment: Variant summary: ATM c.7929delA (p.Gly2644AlafsX2) results in a premature termination codon, predicted to cause a truncation of the encoded protein or absence of the protein due to nonsense mediated decay, which are commonly known mechanisms for disease. Consensus agreement among computation tools predict no significant impact on normal splicing. However, these predictions have yet to be confirmed by functional studies. The variant was absent in 251244 control chromosomes. To our knowledge, no occurrence of c.7929delA in individuals affected with ATM-related conditions and no experimental evidence demonstrating its impact on protein function have been reported. ClinVar contains an entry for this variant (Variation ID: 422091). Based on the evidence outlined above, the variant was classified as pathogenic.

Ambry Genetics
Classification: Pathogenic for Hereditary cancer-predisposing syndrome. Last evaluated: 2024-08-19. Review status: criteria provided, single submitter. Criteria: Ambry Variant Classification Scheme 2023. Collection method: clinical testing. Allele origin: germline.
Comment: The c.7929delA pathogenic mutation, located in coding exon 53 of the ATM gene, results from a deletion of one nucleotide at nucleotide position 7929, causing a translational frameshift with a predicted alternate stop codon (p.G2644Afs*2). This alteration is expected to result in loss of function by premature protein truncation or nonsense-mediated mRNA decay. As such, this alteration is interpreted as a disease-causing mutation.

Fulgent Genetics
Classification: Likely pathogenic for Familial cancer of breast; Ataxia-telangiectasia syndrome. Last evaluated: 2024-02-19. Review status: criteria provided, single submitter. Criteria: ACMG Guidelines, 2015. Collection method: clinical testing. Allele origin: germline.

Myriad Genetics, Inc.
Classification: Pathogenic for Familial cancer of breast. Last evaluated: 2024-02-01. Review status: criteria provided, single submitter. Criteria: Myriad Autosomal Dominant, Autosomal Recessive and X-Linked Classification Criteria (2023). Collection method: clinical testing. Allele origin: unknown.
Comment: This variant is considered pathogenic. This variant creates a frameshift predicted to result in premature protein truncation.

GeneDx
Classification: Pathogenic. Last evaluated: 2024-01-02. Review status: criteria provided, single submitter. Criteria: GeneDx Variant Classification Process June 2021. Collection method: clinical testing. Allele origin: germline. Affected: yes.
Comment: Frameshift variant predicted to result in protein truncation or nonsense mediated decay in a gene for which loss of function is a known mechanism of disease; Not observed at significant frequency in large population cohorts (gnomAD); Truncating variants in this gene are considered pathogenic by a well-established clinical consortium and/or database; Has not been previously published as pathogenic or benign to our knowledge; This variant is associated with the following publications: (PMID: 25614872, 23807571)

Labcorp Genetics (formerly Invitae), Labcorp
Classification: Pathogenic for Ataxia-telangiectasia syndrome. Last evaluated: 2021-10-25. Review status: criteria provided, single submitter. Criteria: Invitae Variant Classification Sherloc (09022015). Collection method: clinical testing. Allele origin: germline.
Comment: This sequence change creates a premature translational stop signal (p.Gly2644Alafs*2) in the ATM gene. It is expected to result in an absent or disrupted protein product. Loss-of-function variants in ATM are known to be pathogenic (PMID: 23807571, 25614872). This variant is not present in population databases (ExAC no frequency). This variant has not been reported in the literature in individuals affected with ATM-related conditions. ClinVar contains an entry for this variant (Variation ID: 422091). For these reasons, this variant has been classified as Pathogenic.

Literature cited by the submitters: PubMed 23807571 (cited by Labcorp Genetics (formerly Invitae), Labcorp); PubMed 25614872 (cited by Labcorp Genetics (formerly Invitae), Labcorp).